The following is an entry in ClinVar:

ClinVar aggregate classification (germline): Conflicting classifications of pathogenicity. Review status: criteria provided, conflicting classifications (1 of 4 stars). 2 submissions from 2 submitters: Uncertain significance (1); Likely benign (1). Last evaluated 2023-01-01.

Conditions:
Inborn genetic diseases. Identifiers: MedGen C0950123, MeSH D030342.

Allele frequency attached by ClinVar (database versions not stated): ExAC 0.00002; gnomAD 0.00002; TOPMed 0.00003.
gnomAD v4.1: 58 of 1,593,802 alleles (0.0036%); highest among the groups gnomAD compares: South Asian, 0.033%; no homozygotes.

Submissions (2):

CeGaT Center for Human Genetics Tuebingen
Classification: Uncertain significance. Last evaluated: 2023-01-01. Review status: criteria provided, single submitter. Criteria: CeGaT Center For Human Genetics Tuebingen Variant Classification Criteria Version 2. Collection method: clinical testing. Allele origin: germline. Affected: yes. Observed: 1 variant allele.
Comment: HECW2: PP2, BP4

Ambry Genetics
Classification: Likely benign for Inborn genetic diseases. Last evaluated: 2021-06-06. Review status: criteria provided, single submitter. Criteria: Ambry Variant Classification Scheme 2023. Collection method: clinical testing. Allele origin: germline.

NM_001348768.2(HECW2):c.1775G>A (p.Arg592Gln)

Gene: HECW2 (HECT, C2 and WW domain containing E3 ubiquitin protein ligase 2; minus strand). Cytogenetic location: 2q32.3.
Variant type: single nucleotide variant.
Coding change: c.1775G>A on transcript NM_001348768.2 (MANE Select); coding-DNA position 1775, G replaced by A.
Protein change: p.Arg592Gln; replaces arginine 592 with glutamine.
Molecular consequence: missense variant.
Genome position (GRCh38, 1-based): chr2:196,319,115, C>T on the plus strand (G>A on the coding strand, the complement: HECW2 is on the minus strand). VCF-style: chr2-196319115-C-T. GRCh37 (hg19) VCF-style: chr2-197183839-C-T.
Other names: c.707G>A, p.Arg236Gln (NM_001304840.3); c.1775G>A, p.Arg592Gln (NM_020760.4); short protein forms R592Q, R236Q.
Identifiers: ClinVar variation 2348315 (VCV002348315.26), dbSNP rs542693631, ClinGen allele CA2038263.
Genomic context (GRCh38, chr2:196,319,115, plus strand): 5'-GAGGACACCTGGGAAGGCTCAGAGCCCTGATCGAGAGACTCGGTCTCACTGACGGCTCTT[C>T]GGCTTCCTCCTGATGCATCGGAAGTCCCTGTGTCTGCGCCACTTGTGGGCTGATCTACCT-3'
Protein context (NP_001335697.1, residues 582-602): TGTSDASGGS[Arg592Gln]RAVSETESLD